The following is an entry in ClinVar:

NM_000506.5(F2):c.813C>T (p.Gly271=)

Gene: F2 (coagulation factor II, thrombin; plus strand). Cytogenetic location: 11p11.2.
Variant type: single nucleotide variant.
Coding change: c.813C>T on transcript NM_000506.5 (MANE Select); coding-DNA position 813, C replaced by T.
Protein change: p.Gly271=; no amino-acid change (glycine 271 retained).
Molecular consequence: synonymous variant.
Genome position (GRCh38, 1-based): chr11:46,726,112, C>T. VCF-style: chr11-46726112-C-T. GRCh37 (hg19) VCF-style: chr11-46747662-C-T.
Other names: p.Gly271=; c.813C>T (NM_000506.4).
Identifiers: ClinVar variation 304811 (VCV000304811.16), dbSNP rs5899, ClinGen allele CA5967056.

ClinVar aggregate classification (germline): Conflicting classifications of pathogenicity. Review status: criteria provided, conflicting classifications (1 of 4 stars). 5 submissions from 4 submitters: Uncertain significance (1); Benign (2); Likely benign (1). 1 of the submissions does not count toward it. Last evaluated 2026-02-04.

Conditions:
F2-related disorder. Also called: F2-related disorders; F2-related condition.
Thrombophilia due to thrombin defect (THPH1). Also called: Thrombosis susceptibility; THROMBOPHILIA DUE TO FACTOR 2 DEFECT; Prothrombin-Related Thrombophilia (Factor II); Prothrombin Thrombophilia. Identifiers: MedGen C3160733, MONDO:0008559, OMIM 188050. Disease mechanism: gain of function, loss of function.
Congenital prothrombin deficiency. Also called: HYPOPROTHROMBINEMIA; Hereditary factor II deficiency disease; Factor II deficiency; Inherited hypoprothrombinemia; Congenital factor II deficiency; Inherited prothrombin deficiency. Identifiers: Orphanet 325, MedGen C0272317, MONDO:0013361, OMIM 613679.

Allele frequency attached by ClinVar (database versions not stated): 1000 Genomes Project 30x 0.00625; 1000 Genomes Project 0.00639; gnomAD 0.00654 and 0.00711; TOPMed 0.00711; ESP Exome Variant Server 0.00815; gnomAD exomes 0.00856; ExAC 0.00859.
gnomAD v4.1: 15,287 of 1,614,146 alleles (0.95%); highest among the groups gnomAD compares: South Asian, 2.5%; 118 homozygotes.

Submissions (8):

Labcorp Genetics (formerly Invitae), Labcorp
Classification: Benign for Congenital prothrombin deficiency. Last evaluated: 2026-02-04. Review status: criteria provided, single submitter. Criteria: Invitae Variant Classification Sherloc (09022015). Collection method: clinical testing. Allele origin: germline.

Illumina Laboratory Services, Illumina
Classification: Uncertain significance for Thrombophilia due to thrombin defect. Last evaluated: 2018-01-13. Review status: criteria provided, single submitter. Criteria: ICSL Variant Classification Criteria 13 December 2019. Collection method: clinical testing. Allele origin: germline.

Illumina Laboratory Services, Illumina
Classification: Benign for Congenital prothrombin deficiency. Last evaluated: 2018-01-13. Review status: criteria provided, single submitter. Criteria: ICSL Variant Classification Criteria 13 December 2019. Collection method: clinical testing. Allele origin: germline.
Comment: This variant was observed in the ICSL laboratory as part of a predisposition screen in an ostensibly healthy population. It had not been previously curated by ICSL or reported in the Human Gene Mutation Database (HGMD: prior to June 1st, 2018), and was therefore a candidate for classification through an automated scoring system. Utilizing variant allele frequency, disease prevalence and penetrance estimates, and inheritance mode, an automated score was calculated to assess if this variant is too frequent to cause the disease. Based on the score and internal cut-off values, a variant classified as benign is not then subjected to further curation. The score for this variant resulted in a classification of benign for this disease.

Mayo Clinic Laboratories, Mayo Clinic
Classification: Likely benign. Last evaluated: 2016-08-19. Review status: criteria provided, single submitter. Criteria: ACMG Guidelines, 2015. Collection method: clinical testing. Allele origin: germline. Observed: 3 variant alleles.

PreventionGenetics, part of Exact Sciences
Classification: Benign for F2-related condition. Last evaluated: 2019-02-28. Review status: no assertion criteria provided. Collection method: clinical testing. Allele origin: germline. Not counted in ClinVar's aggregate classification.
Comment: This variant is classified as benign based on ACMG/AMP sequence variant interpretation guidelines (Richards et al. 2015 PMID: 25741868, with internal and published modifications).

Dr. Peter K. Rogan Lab, Western University
No classification provided (evidence only). Condition: Uterine corpus endometrial carcinoma. Review status: no classification provided. Collection method: in vitro. Allele origin: not applicable. Functional consequence: retained intron. Not counted in ClinVar's aggregate classification.

Dr. Peter K. Rogan Lab, Western University
No classification provided (evidence only). Condition: Cholangiocarcinoma. Review status: no classification provided. Collection method: in vitro. Allele origin: not applicable. Functional consequence: retained intron. Not counted in ClinVar's aggregate classification.

Dr. Peter K. Rogan Lab, Western University
No classification provided (evidence only). Condition: Gastric cancer. Review status: no classification provided. Collection method: in vitro. Allele origin: not applicable. Functional consequence: retained intron. Not counted in ClinVar's aggregate classification.